The following is an entry in ClinVar:

ClinVar aggregate classification (germline): Uncertain significance (1 of 4 stars; one submission).

Allele frequency attached by ClinVar (database versions not stated): TOPMed 0.00004; gnomAD exomes 0.00006; ExAC 0.00011.
gnomAD v4.1: 30 of 1,397,086 alleles (0.0021%); highest among the groups gnomAD compares: Admixed American, 0.0034%; no homozygotes.

Submission:

Labcorp Genetics (formerly Invitae), Labcorp
Classification: Uncertain significance. Last evaluated: 2025-10-20. Review status: criteria provided, single submitter. Criteria: Invitae Variant Classification Sherloc (09022015). Collection method: clinical testing. Allele origin: germline.
Comment: This sequence change replaces arginine, which is basic and polar, with leucine, which is neutral and non-polar, at codon 5 of the SZT2 protein (p.Arg5Leu). The frequency data for this variant in the population databases is considered unreliable, as metrics indicate poor data quality at this position in the gnomAD database. This variant has not been reported in the literature in individuals affected with SZT2-related conditions. ClinVar contains an entry for this variant (Variation ID: 938711). An algorithm developed to predict the effect of missense changes on protein structure and function (PolyPhen-2) suggests that this variant is likely to be tolerated. In summary, the available evidence is currently insufficient to determine the role of this variant in disease. Therefore, it has been classified as a Variant of Uncertain Significance.

NM_001365999.1(SZT2):c.14G>T (p.Arg5Leu)

Genes: SZT2 (SZT2 subunit of KICSTOR complex; plus strand), LOC129930379 (ATAC-STARR-seq lymphoblastoid silent region 783; plus strand). Cytogenetic location: 1p34.2.
Variant type: single nucleotide variant.
Coding change: c.14G>T on transcript NM_001365999.1 (MANE Select); coding-DNA position 14, G replaced by T.
Protein change: p.Arg5Leu; replaces arginine 5 with leucine.
Molecular consequence: missense variant.
Genome position (GRCh38, 1-based): chr1:43,389,982, G>T. VCF-style: chr1-43389982-G-T. GRCh37 (hg19) VCF-style: chr1-43855653-G-T.
Other names: c.14G>T, p.Arg5Leu (NM_015284.4); short protein forms R5L.
Identifiers: ClinVar variation 938711 (VCV000938711.8), dbSNP rs528945377, ClinGen allele CA808044.